The following is an entry in ClinVar:

ClinVar aggregate classification (germline): Benign. Review status: criteria provided, multiple submitters, no conflicts (2 of 4 stars). 6 submissions from 6 submitters: Benign (6). Last evaluated 2026-02-03.

Conditions:
Hyperaldosteronism, familial, type IV (HALD4). Also called: FH IV; ALDOSTERONISM, PRIMARY, AND HYPERTENSION. Identifiers: Orphanet 642671, MedGen C4310756, MONDO:0014875, OMIM 617027.
Idiopathic generalized epilepsy. Also called: Generalised epilepsy; EIG. Identifiers: MedGen C0270850, MONDO:0005579, OMIM 600669.

Allele frequency attached by ClinVar (database versions not stated): 1000 Genomes Project 0.10583; TOPMed 0.18286; gnomAD 0.20272 and 0.19813; 1000 Genomes Project 30x 0.10618; ESP Exome Variant Server 0.17978; gnomAD exomes 0.19371 and 0.28207; ExAC 0.23573.
gnomAD v4.1: 405,991 of 1,494,282 alleles (27%); highest among the groups gnomAD compares: Non-Finnish European, 31%; 61,801 homozygotes.

Submissions (6):

Labcorp Genetics (formerly Invitae), Labcorp
Classification: Benign for Idiopathic generalized epilepsy; Hyperaldosteronism, familial, type IV. Last evaluated: 2026-02-03. Review status: criteria provided, single submitter. Criteria: Invitae Variant Classification Sherloc (09022015). Collection method: clinical testing. Allele origin: germline.

Mayo Clinic Laboratories, Mayo Clinic
Classification: Benign. Last evaluated: 2024-07-24. Review status: criteria provided, single submitter. Criteria: ACMG Guidelines, 2015. Collection method: clinical testing. Allele origin: germline. Observed: 22 variant alleles.
Comment: BA1, BS2

Athena Diagnostics
Classification: Benign. Last evaluated: 2021-04-12. Review status: criteria provided, single submitter. Criteria: Athena Diagnostics criteria. Collection method: clinical testing. Allele origin: unknown.

GeneDx
Classification: Benign. Last evaluated: 2019-11-27. Review status: criteria provided, single submitter. Criteria: GeneDx Variant Classification Process June 2021. Collection method: clinical testing. Allele origin: germline. Affected: yes.

Eurofins Ntd Llc (ga)
Classification: Benign. Last evaluated: 2013-07-03. Review status: criteria provided, single submitter. Criteria: EGL Classification Definitions 2015. Collection method: clinical testing. Allele origin: germline. Observed: 6 variant alleles, 5 heterozygotes, 1 homozygote.

Breakthrough Genomics
Classification: Benign. Review status: criteria provided, single submitter. Criteria: ACMG Guidelines, 2015. Collection method: not provided. Allele origin: germline. Inheritance: Autosomal dominant inheritance. Affected: yes.

NM_021098.3(CACNA1H):c.1991T>C (p.Val664Ala)

Gene: CACNA1H (calcium voltage-gated channel subunit alpha1 H; plus strand). Cytogenetic location: 16p13.3.
Variant type: single nucleotide variant.
Coding change: c.1991T>C on transcript NM_021098.3 (MANE Select); coding-DNA position 1991, T replaced by C.
Protein change: p.Val664Ala; replaces valine 664 with alanine.
Molecular consequence: missense variant.
Genome position (GRCh38, 1-based): chr16:1,202,441, T>C. VCF-style: chr16-1202441-T-C. GRCh37 (hg19) VCF-style: chr16-1252441-T-C.
Other names: c.1991T>C, p.Val664Ala (NM_001005407.2); short protein forms V664A.
Identifiers: ClinVar variation 96006 (VCV000096006.19), dbSNP rs4984636, ClinGen allele CA149140.
Genomic context (GRCh38, chr16:1,202,441, plus strand): 5'-GGGGGCACGGCCCGTTGAGCTTGAACAGCCCTGATCCCTACGAGAAGATCCCGCATGTGG[T>C]CGGGGAGCATGGTGAGGACCCAGCCCCACCCCACGGAGGAGGCGGTGGGACCTAGGCAGG-3'
Protein context (NP_066921.2, residues 654-674): PDPYEKIPHV[Val664Ala]GEHGLGQAPG